The following is an entry in ClinVar:

NM_025176.6(NINL):c.1367C>T (p.Ala456Val)

Gene: NINL (ninein like; minus strand). Cytogenetic location: 20p11.21.
Variant type: single nucleotide variant.
Coding change: c.1367C>T on transcript NM_025176.6 (MANE Select); coding-DNA position 1367, C replaced by T.
Protein change: p.Ala456Val; replaces alanine 456 with valine.
Molecular consequence: missense variant.
Genome position (GRCh38, 1-based): chr20:25,491,469, G>A on the plus strand (C>T on the coding strand, the complement: NINL is on the minus strand). VCF-style: chr20-25491469-G-A. GRCh37 (hg19) VCF-style: chr20-25472105-G-A.
Other names: NC_000020.10:g.25472105G>A; c.1367C>T, p.Ala456Val (NM_001318226.2); short protein forms A456V.
Identifiers: ClinVar variation 3048694 (VCV003048694.3), dbSNP rs141376094, ClinGen allele CA9797739.

ClinVar aggregate classification (germline): Benign (0 of 4 stars; one submission).

Conditions:
NINL-related disorder. Also called: NINL-related condition.

Allele frequency attached by ClinVar (database versions not stated): ExAC 0.00073; ESP Exome Variant Server 0.00246; 1000 Genomes Project 0.00300; 1000 Genomes Project 30x 0.00390.
gnomAD v4.1: 642 of 1,613,996 alleles (0.04%); highest among the groups gnomAD compares: African/African-American, 0.7%; 4 homozygotes.

Submissions (3):

PreventionGenetics, part of Exact Sciences
Classification: Benign for NINL-related condition. Last evaluated: 2020-05-15. Review status: no assertion criteria provided. Collection method: clinical testing. Allele origin: germline.
Comment: This variant is classified as benign based on ACMG/AMP sequence variant interpretation guidelines (Richards et al. 2015 PMID: 25741868, with internal and published modifications).

Dr. Peter K. Rogan Lab, Western University
No classification provided (evidence only). Condition: Familial cancer of breast. Review status: no classification provided. Collection method: in vitro. Allele origin: not applicable. Functional consequence: retained intron. Not counted in ClinVar's aggregate classification.

Dr. Peter K. Rogan Lab, Western University
No classification provided (evidence only). Condition: Hepatocellular carcinoma. Review status: no classification provided. Collection method: in vitro. Allele origin: not applicable. Functional consequence: retained intron. Not counted in ClinVar's aggregate classification.